The following is an entry in ClinVar:

ClinVar aggregate classification (germline): Benign. Review status: criteria provided, multiple submitters, no conflicts (2 of 4 stars). 3 submissions from 3 submitters: Benign (2). 1 of the submissions does not count toward it. Last evaluated 2019-12-31.

Conditions:
XIRP2-related disorder. Also called: XIRP2-related condition.

Allele frequency attached by ClinVar (database versions not stated): ESP Exome Variant Server 0.01419; TOPMed 0.01522; 1000 Genomes Project 30x 0.01530; ExAC 0.00417; gnomAD 0.01363 and 0.01455; 1000 Genomes Project 0.01498; gnomAD exomes 0.00119 and 0.00311.
gnomAD v4.1: 3,937 of 1,610,318 alleles (0.24%); highest among the groups gnomAD compares: African/African-American, 4.7%; 103 homozygotes.

Submissions (3):

Labcorp Genetics (formerly Invitae), Labcorp
Classification: Benign. Last evaluated: 2019-12-31. Review status: criteria provided, single submitter. Criteria: Invitae Variant Classification Sherloc (09022015). Collection method: clinical testing. Allele origin: germline.

Breakthrough Genomics
Classification: Benign. Review status: criteria provided, single submitter. Criteria: ACMG Guidelines, 2015. Collection method: not provided. Allele origin: germline. Inheritance: Unknown mechanism. Affected: yes.

PreventionGenetics, part of Exact Sciences
Classification: Benign for XIRP2-related condition. Last evaluated: 2019-04-01. Review status: no assertion criteria provided. Collection method: clinical testing. Allele origin: germline. Not counted in ClinVar's aggregate classification.
Comment: This variant is classified as benign based on ACMG/AMP sequence variant interpretation guidelines (Richards et al. 2015 PMID: 25741868, with internal and published modifications).

NM_152381.6(XIRP2):c.902A>T (p.Gln301Leu)

Gene: XIRP2 (xin actin binding repeat containing 2; plus strand). Cytogenetic location: 2q24.3.
Variant type: single nucleotide variant.
Coding change: c.902A>T on transcript NM_152381.6 (MANE Select); coding-DNA position 902, A replaced by T.
Protein change: p.Gln301Leu; replaces glutamine 301 with leucine.
Molecular consequence: missense variant.
Genome position (GRCh38, 1-based): chr2:167,239,898, A>T. VCF-style: chr2-167239898-A-T. GRCh37 (hg19) VCF-style: chr2-168096408-A-T.
Other names: c.902A>T, p.Gln301Leu (NM_001079810.4); c.1001A>T, p.Gln334Leu (NM_001199143.2); c.236A>T, p.Gln79Leu (NM_001199144.2, NM_001199145.2); c.902A>T (NM_152381.5); short protein forms Q301L, Q334L, Q79L.
Identifiers: ClinVar variation 780359 (VCV000780359.7), dbSNP rs75422885, ClinGen allele CA1946308.